The following is an entry in ClinVar:

NM_001276270.2(MBD4):c.331A>C (p.Ile111Leu)

Gene: MBD4 (methyl-CpG binding domain 4, DNA glycosylase; minus strand). Cytogenetic location: 3q21.3.
Variant type: single nucleotide variant.
Coding change: c.331A>C on transcript NM_001276270.2 (MANE Select); coding-DNA position 331, A replaced by C.
Protein change: p.Ile111Leu; replaces isoleucine 111 with leucine.
Molecular consequence: missense variant. On other transcripts: intron variant (1).
Genome position (GRCh38, 1-based): chr3:129,437,724, T>G on the plus strand (A>C on the coding strand, the complement: MBD4 is on the minus strand). VCF-style: chr3-129437724-T-G. GRCh37 (hg19) VCF-style: chr3-129156567-T-G.
Other names: c.331A>C, p.Ile111Leu (NM_001276271.2, NM_001276272.2, NM_003925.3); c.247+84A>C (NM_001276273.2); short protein forms I111L.
Identifiers: ClinVar variation 4827733 (VCV004827733.1).

ClinVar aggregate classification (germline): Uncertain significance (1 of 4 stars; one submission).

Conditions:
Inborn genetic diseases. Identifiers: MedGen C0950123, MeSH D030342.

Submission:

Ambry Genetics
Classification: Uncertain significance for Inborn genetic diseases. Last evaluated: 2026-03-14. Review status: criteria provided, single submitter. Criteria: Ambry Variant Classification Scheme 2023. Collection method: clinical testing. Allele origin: germline.
Comment: The p.I111L variant (also known as c.331A>C), located in coding exon 2 of the MBD4 gene, results from an A to C substitution at nucleotide position 331. The isoleucine at codon 111 is replaced by leucine, an amino acid with highly similar properties. This amino acid position is conserved. In addition, the in silico prediction for this alteration is inconclusive. Based on the available evidence, the clinical significance of this variant remains unclear.